The following is an entry in ClinVar:

ClinVar aggregate classification (germline): Benign (1 of 4 stars; one submission).

Allele frequency attached by ClinVar (database versions not stated): 1000 Genomes Project 30x 0.01515; 1000 Genomes Project 0.01538; TOPMed 0.03336; gnomAD 0.04168 and 0.04322; gnomAD exomes 0.05230.
gnomAD v4.1: 36,711 of 740,134 alleles (5%); highest among the groups gnomAD compares: Non-Finnish European, 6%; 1,212 homozygotes.

Submission:

GeneDx
Classification: Benign. Last evaluated: 2018-06-16. Review status: criteria provided, single submitter. Criteria: GeneDx Variant Classification (06012015). Collection method: clinical testing. Allele origin: germline. Affected: yes.
Comment: This variant is considered likely benign or benign based on one or more of the following criteria: it is a conservative change, it occurs at a poorly conserved position in the protein, it is predicted to be benign by multiple in silico algorithms, and/or has population frequency not consistent with disease.

NM_001035.3(RYR2):c.4911-136G>A

Gene: RYR2 (ryanodine receptor 2; plus strand). Cytogenetic location: 1q43.
Variant type: single nucleotide variant.
Coding change: c.4911-136G>A on transcript NM_001035.3 (MANE Select); 136 bases into the intron before coding-DNA position 4911, G replaced by A.
Molecular consequence: intron variant.
Genome position (GRCh38, 1-based): chr1:237,613,903, G>A. VCF-style: chr1-237613903-G-A. GRCh37 (hg19) VCF-style: chr1-237777203-G-A.
Identifiers: ClinVar variation 674540 (VCV000674540.1), dbSNP rs116123906, ClinGen allele CA10965140.
Genomic context (GRCh38, chr1:237,613,903, plus strand): 5'-TTTCAAAGTCTGAATAAAGTCCCAAATCCAAACAATTCTGGTCCCAAGCATTTCAGATTA[G>A]GGATGTTCAACCTGCAGTGTCTATTCCCATAACTTTTTTCCTTCAAATTTACAGTGCATA-3'